The following is an entry in ClinVar:

ClinVar aggregate classification (germline): Uncertain significance. Review status: criteria provided, multiple submitters, no conflicts (2 of 4 stars). 2 submissions from 2 submitters: Uncertain significance (2). Last evaluated 2025-10-09.

Conditions:
UCP3-related disorder. Also called: UCP3-related condition.

gnomAD v4.1: 415 of 1,614,068 alleles (0.026%); highest among the groups gnomAD compares: Non-Finnish European, 0.034%; 1 homozygote.

Submissions (2):

PreventionGenetics, part of Exact Sciences
Classification: Uncertain significance for UCP3-related condition. Last evaluated: 2025-10-09. Review status: criteria provided, single submitter. Criteria: ACMG Guidelines, 2015. Collection method: clinical testing. Allele origin: germline.
Comment: The UCP3 c.312G>T variant is predicted to result in the amino acid substitution p.Gln104His. To our knowledge, this variant has not been reported in the literature. This variant is reported in 0.012% of alleles in individuals of European (Non-Finnish) descent in gnomAD. At this time, the clinical significance of this variant is uncertain due to the absence of conclusive functional and genetic evidence.

Ambry Genetics
Classification: Uncertain significance. Last evaluated: 2024-11-25. Review status: criteria provided, single submitter. Criteria: Ambry Variant Classification Scheme 2023. Collection method: clinical testing. Allele origin: germline.

NM_003356.4(UCP3):c.312G>T (p.Gln104His)

Gene: UCP3 (uncoupling protein 3; minus strand). Cytogenetic location: 11q13.4.
Variant type: single nucleotide variant.
Coding change: c.312G>T on transcript NM_003356.4 (MANE Select); coding-DNA position 312, G replaced by T.
Protein change: p.Gln104His; replaces glutamine 104 with histidine.
Molecular consequence: missense variant.
Genome position (GRCh38, 1-based): chr11:74,006,194, C>A on the plus strand (G>T on the coding strand, the complement: UCP3 is on the minus strand). VCF-style: chr11-74006194-C-A. GRCh37 (hg19) VCF-style: chr11-73717239-C-A.
Other names: c.312G>T, p.Gln104His (NM_022803.3); short protein forms Q104H.
Identifiers: ClinVar variation 3465534 (VCV003465534.2).